The following is an entry in ClinVar:

NM_000059.4(BRCA2):c.1385A>G (p.Glu462Gly)

Gene: BRCA2 (BRCA2 DNA repair associated; plus strand). Cytogenetic location: 13q13.1.
Variant type: single nucleotide variant.
Coding change: c.1385A>G on transcript NM_000059.4 (MANE Select); coding-DNA position 1385, A replaced by G.
Protein change: p.Glu462Gly; replaces glutamic acid 462 with glycine.
Molecular consequence: missense variant.
Genome position (GRCh38, 1-based): chr13:32,332,863, A>G. VCF-style: chr13-32332863-A-G. GRCh37 (hg19) VCF-style: chr13-32907000-A-G.
Other names: p.E462G:GAA>GGA; 1613A>G; short protein forms E462G.
Identifiers: ClinVar variation 37738 (VCV000037738.84), dbSNP rs56403624, ClinGen allele CA011838.

ClinVar aggregate classification (germline): Benign. Review status: reviewed by expert panel (3 of 4 stars). 31 submissions from 31 submitters: Benign (1). 30 of the submissions do not count toward it. Last evaluated 2015-08-10.

Conditions:
Hereditary cancer-predisposing syndrome. Also called: Neoplastic Syndromes, Hereditary; Tumor predisposition; Hereditary Cancer Syndrome; Hereditary neoplastic syndrome. Identifiers: Orphanet 140162, MedGen C0027672, MeSH D009386, MONDO:0015356.
Hereditary breast ovarian cancer syndrome. Also called: Hereditary breast and ovarian cancer; Breast and ovarian cancer; Hereditary breast and/or ovarian cancer syndrome; Hereditary breast and ovarian cancer syndrome (HBOC); Hereditary breast and ovarian cancer syndrome; BRCA1- and BRCA2-Associated Hereditary Breast and Ovarian Cancer. Identifiers: Orphanet 145, MedGen C0677776, MeSH D061325, MONDO:0003582. Disease mechanism: loss of function.
Breast-ovarian cancer, familial, susceptibility to, 2 (BROVCA2). Also called: BRCA2 Hereditary Breast and Ovarian Cancer. Identifiers: Orphanet 145, MedGen C2675520, MONDO:0012933, OMIM 612555. Disease mechanism: loss of function.
Familial cancer of breast. Also called: BREAST CANCER, FAMILIAL; Hereditary breast cancer; hereditary breast carcinoma. Identifiers: Orphanet 227535, MedGen C0346153, MONDO:0016419, OMIM 114480. Disease mechanism: loss of function.

Allele frequency attached by ClinVar (database versions not stated): TOPMed 0.00016; gnomAD 0.00019 and 0.00020; ExAC 0.00023; ESP Exome Variant Server 0.00023; gnomAD exomes 0.00025.
gnomAD v4.1: 396 of 1,611,804 alleles (0.025%); highest among the groups gnomAD compares: Middle Eastern, 0.05%; no homozygotes.

Submissions 1 to 16 of 31:

Evidence-based Network for the Interpretation of Germline Mutant Alleles (ENIGMA)
Classification: Benign for Breast-ovarian cancer, familial 2. Last evaluated: 2015-08-10. Review status: reviewed by expert panel. Criteria: ENIGMA BRCA1/2 Classification Criteria (2015). Collection method: curation. Allele origin: germline.
Comment: IARC class based on posterior probability from multifactorial likelihood analysis, thresholds for class as per Plon et al. 2008 (PMID: 18951446). Class 1 based on posterior probability = 0.00000293

Labcorp Genetics (formerly Invitae), Labcorp
Classification: Benign for Hereditary breast ovarian cancer syndrome. Last evaluated: 2026-02-02. Review status: criteria provided, single submitter. Criteria: Invitae Variant Classification Sherloc (09022015). Collection method: clinical testing. Allele origin: germline. Not counted in ClinVar's aggregate classification.

Dasa
Classification: Benign for Breast-ovarian cancer, familial, susceptibility to, 2. Last evaluated: 2025-11-27. Review status: criteria provided, single submitter. Criteria: DASA Assertion Criteria. Collection method: clinical testing. Allele origin: germline. Not counted in ClinVar's aggregate classification.
Comment: NM_000059.4(BRCA2):c.1385A>G (p.Glu462Gly) is a missense variant that results in the substitution of glutamic acid with glycine. Multiple computational predictions suggest no deleterious effect on the gene or gene product. The variant is present at low frequency in population datasets. Based on the available data, this variant is classified as benign.

ARUP Laboratories, Molecular Genetics and Genomics, ARUP Laboratories
Classification: Benign. Last evaluated: 2025-03-04. Review status: criteria provided, single submitter. Criteria: ARUP Molecular Germline Variant Investigation Process 2024. Collection method: clinical testing. Allele origin: germline. Not counted in ClinVar's aggregate classification.

Center for Genomic Medicine, Rigshospitalet, Copenhagen University Hospital
Classification: Benign. Last evaluated: 2025-03-04. Review status: criteria provided, single submitter. Criteria: ACMG Guidelines, 2015. Collection method: clinical testing. Allele origin: germline. Not counted in ClinVar's aggregate classification.

Laboratory of Genetics, Children's Clinical University Hospital Latvia
Classification: Benign. Last evaluated: 2025-02-16. Review status: criteria provided, single submitter. Criteria: ACMG Guidelines, 2015. Collection method: clinical testing. Allele origin: germline. Affected: yes. Not counted in ClinVar's aggregate classification.

CeGaT Center for Human Genetics Tuebingen
Classification: Benign. Last evaluated: 2025-02-01. Review status: criteria provided, single submitter. Criteria: CeGaT Center For Human Genetics Tuebingen Variant Classification Criteria Version 2. Collection method: clinical testing. Allele origin: germline. Affected: yes. Observed: 2 variant alleles. Not counted in ClinVar's aggregate classification.
Comment: BRCA2: BP1, BP4, BS3:Supporting, BS4

KCCC/NGS Laboratory, Kuwait Cancer Control Center
Classification: Benign for Familial cancer of breast. Last evaluated: 2025-02-01. Review status: criteria provided, single submitter. Criteria: ACMG Guidelines, 2015. Collection method: clinical testing. Allele origin: germline. Affected: no. Not counted in ClinVar's aggregate classification.

Blueprint Genetics
Classification: Likely benign. Last evaluated: 2024-10-07. Review status: criteria provided, single submitter. Criteria: ACMG Guidelines, 2015. Collection method: clinical testing. Allele origin: germline. Not counted in ClinVar's aggregate classification.

Genetic Services Laboratory, University of Chicago
Classification: Likely benign. Last evaluated: 2021-06-16. Review status: criteria provided, single submitter. Criteria: ACMG Guidelines, 2015. Collection method: clinical testing. Allele origin: germline. Affected: no. Not counted in ClinVar's aggregate classification.
Comment: DNA sequence analysis of the BRCA2 gene demonstrated a sequence change, c.1385A>G, in exon 10 that results in an amino acid change, p.Glu462Gly. This sequence change has been described in the gnomAD database with a frequency of 0.043% in the European sub-population (dbSNP rs56403624). The p.Glu462Gly change was reported to co-occur with a pathogenic sequence change in the BRCA2 gene (PMID: 16905680). In addition, this variant was found not to segregate with disease in affected families (PMID: 19200354). The p. Glu462Gly change affects a moderately conserved amino acid residue located in a domain of the BRCA2 protein that is known to be functional. In-silico pathogenicity prediction tools (SIFT, PolyPhen2, Align GVGD, REVEL) provide contradictory results for the p.Glu462Gly change. Functional studies reported that this sequence change demonstrates similar protein function to the wild-type allele in assays of cellular survival and viability, homologous recombination repair and genome stability (PMID: 15695382). These collective evidences indicate that this is a likely benign sequence change.

GeneDx
Classification: Likely benign. Last evaluated: 2021-05-19. Review status: criteria provided, single submitter. Criteria: GeneDx Variant Classification Process June 2021. Collection method: clinical testing. Allele origin: germline. Affected: yes. Not counted in ClinVar's aggregate classification.
Comment: This variant is associated with the following publications: (PMID: 10717622, 24504028, 15026808, 21952622, 21520273, 24323938, 19200354, 15172753, 20104584, 19491284, 18451181, 21990134, 17924331, 15695382, 19563646, 16905680, 27616075, 29036293, 32444794)

Sema4
Classification: Benign for Hereditary cancer-predisposing syndrome. Last evaluated: 2020-12-17. Review status: criteria provided, single submitter. Criteria: Sema4 Curation Guidelines. Collection method: curation. Allele origin: germline. Not counted in ClinVar's aggregate classification.

Mendelics
Classification: Likely benign for Breast-ovarian cancer, familial, susceptibility to, 2. Last evaluated: 2019-05-28. Review status: criteria provided, single submitter. Criteria: Mendelics Assertion Criteria 2017. Collection method: clinical testing. Allele origin: unknown. Not counted in ClinVar's aggregate classification.

Laboratory for Molecular Medicine, Mass General Brigham Personalized Medicine
Classification: Uncertain significance. Last evaluated: 2016-03-28. Review status: criteria provided, single submitter. Criteria: LMM Criteria. Collection method: clinical testing. Allele origin: germline. Not counted in ClinVar's aggregate classification.
Comment: Variant identified in a genome or exome case(s) and assessed due to predicted null impact of the variant or pathogenic assertions in the literature or databases. Disclaimer: This variant has not undergone full assessment. The following are preliminary notes: Multiple publications classify as VUS/not pathogenic; ExAC: 27/66408 European chromosomes

Vantari Genetics
Classification: Benign for Hereditary cancer-predisposing syndrome. Last evaluated: 2016-01-06. Review status: criteria provided, single submitter. Criteria: ACMG Guidelines, 2015. Collection method: clinical testing. Allele origin: germline. Not counted in ClinVar's aggregate classification.

Clinical Genetics DNA and cytogenetics Diagnostics Lab, Erasmus MC, Erasmus Medical Center
Classification: Benign for Breast-ovarian cancer, familial, susceptibility to, 2. Last evaluated: 2015-09-21. Review status: criteria provided, single submitter. Criteria: ACGS Guidelines, 2013. Collection method: clinical testing. Allele origin: germline. Affected: yes. Study: VKGL Data-share Consensus. Not counted in ClinVar's aggregate classification.